The following is an entry in ClinVar:

ClinVar aggregate classification (germline): Uncertain significance. Review status: criteria provided, multiple submitters, no conflicts (2 of 4 stars). 2 submissions from 2 submitters: Uncertain significance (2). Last evaluated 2025-02-06.

Allele frequency attached by ClinVar (database versions not stated): TOPMed below 0.00001; gnomAD 0.00001.
gnomAD v4.1: 2 of 1,611,952 alleles (0.00012%); highest among the groups gnomAD compares: Non-Finnish European, 0.00017%; no homozygotes.

Submissions (2):

Labcorp Genetics (formerly Invitae), Labcorp
Classification: Uncertain significance. Last evaluated: 2025-02-06. Review status: criteria provided, single submitter. Criteria: Invitae Variant Classification Sherloc (09022015). Collection method: clinical testing. Allele origin: germline.
Comment: This sequence change replaces tyrosine, which is neutral and polar, with aspartic acid, which is acidic and polar, at codon 1016 of the A2ML1 protein (p.Tyr1016Asp). This variant is not present in population databases (gnomAD no frequency). This variant has not been reported in the literature in individuals affected with A2ML1-related conditions. ClinVar contains an entry for this variant (Variation ID: 1799199). An algorithm developed to predict the effect of missense changes on protein structure and function (PolyPhen-2) suggests that this variant is likely to be disruptive. In summary, the available evidence is currently insufficient to determine the role of this variant in disease. Therefore, it has been classified as a Variant of Uncertain Significance.

Ambry Genetics
Classification: Uncertain significance. Last evaluated: 2021-09-07. Review status: criteria provided, single submitter. Criteria: Ambry Variant Classification Scheme 2023. Collection method: clinical testing. Allele origin: germline.
Comment: The p.Y1016D variant (also known as c.3046T>G), located in coding exon 25 of the A2ML1 gene, results from a T to G substitution at nucleotide position 3046. The tyrosine at codon 1016 is replaced by aspartic acid, an amino acid with highly dissimilar properties. This amino acid position is conserved. In addition, this alteration is predicted to be deleterious by in silico analysis. Since supporting evidence is limited at this time, the clinical significance of this alteration remains unclear.

NM_144670.6(A2ML1):c.3046T>G (p.Tyr1016Asp)

Gene: A2ML1 (alpha-2-macroglobulin like 1; plus strand). Cytogenetic location: 12p13.31.
Variant type: single nucleotide variant.
Coding change: c.3046T>G on transcript NM_144670.6 (MANE Select); coding-DNA position 3046, T replaced by G.
Protein change: p.Tyr1016Asp; replaces tyrosine 1016 with aspartic acid.
Molecular consequence: missense variant.
Genome position (GRCh38, 1-based): chr12:8,857,527, T>G. VCF-style: chr12-8857527-T-G. GRCh37 (hg19) VCF-style: chr12-9010123-T-G.
Other names: c.1573T>G, p.Tyr525Asp (NM_001282424.3); short protein forms Y1016D, Y525D.
Identifiers: ClinVar variation 1799199 (VCV001799199.3), dbSNP rs1356228833, ClinGen allele CA383836611.
Genomic context (GRCh38, chr12:8,857,527, plus strand): 5'-AAGTTGTCGCTGTGATCTAAAACCACATTTGGCTTCCCAGGGTACCAGAAGGAGCTGATG[T>G]ACAAACACAGCAATGGCTCATACAGTGCCTTTGGGGAGCGAGATGGAAATGGAAACACAT-3'
Protein context (NP_653271.3, residues 1006-1026): LEIGYQKELM[Tyr1016Asp]KHSNGSYSAF